The following is an entry in ClinVar:

NM_014423.4(AFF4):c.1135A>G (p.Met379Val)

Gene: AFF4 (ALF transcription elongation factor 4; minus strand). Cytogenetic location: 5q31.1.
Variant type: single nucleotide variant.
Coding change: c.1135A>G on transcript NM_014423.4 (MANE Select); coding-DNA position 1135, A replaced by G.
Protein change: p.Met379Val; replaces methionine 379 with valine.
Molecular consequence: missense variant.
Genome position (GRCh38, 1-based): chr5:132,899,640, T>C on the plus strand (A>G on the coding strand, the complement: AFF4 is on the minus strand). VCF-style: chr5-132899640-T-C. GRCh37 (hg19) VCF-style: chr5-132235332-T-C.
Other names: c.1135A>G (NM_014423.3); short protein forms M379V.
Identifiers: ClinVar variation 2153870 (VCV002153870.6), dbSNP rs762869731, ClinGen allele CA3409181.
Genomic context (GRCh38, chr5:132,899,640, plus strand): 5'-GACACACCTGTTCCCCATCACTGTCTTCACTGCTGCTTAGTTTTAAGTCATCTTTTAACA[T>C]ACTAGAGGGAAAAGACAAAGAATTATTATTTTTGGAACAGTTTACATGGTATGCCAGAGT-3'
Protein context (NP_055238.1, residues 369-389): KTSNGHQSKS[Met379Val]LKDDLKLSSS

ClinVar aggregate classification (germline): Likely benign. Review status: criteria provided, multiple submitters, no conflicts (2 of 4 stars). 3 submissions from 3 submitters: Likely benign (2). 1 of the submissions does not count toward it. Last evaluated 2025-10-08.

Conditions:
Inborn genetic diseases. Identifiers: MedGen C0950123, MeSH D030342.
Cognitive impairment - coarse facies - heart defects - obesity - pulmonary involvement - short stature - skeletal dysplasia syndrome. Also called: COGNITIVE IMPAIRMENT, COARSE FACIES, HEART DEFECTS, OBESITY, PULMONARY INVOLVEMENT, SHORT STATURE, AND SKELETAL DYSPLASIA; Chops syndrome; AFF4-Related CHOPS Syndrome. Identifiers: Orphanet 444077, MedGen C4085597, MONDO:0014609, OMIM 616368.
AFF4-related disorder. Also called: AFF4-related condition.

Allele frequency attached by ClinVar (database versions not stated): gnomAD 0.00002; gnomAD exomes 0.00002; TOPMed 0.00005; ExAC 0.00008.
gnomAD v4.1: 31 of 1,609,188 alleles (0.0019%); highest among the groups gnomAD compares: East Asian, 0.038%; 1 homozygote.

Submissions (3):

Labcorp Genetics (formerly Invitae), Labcorp
Classification: Likely benign for Cognitive impairment - coarse facies - heart defects - obesity - pulmonary involvement - short stature - skeletal dysplasia syndrome. Last evaluated: 2025-10-08. Review status: criteria provided, single submitter. Criteria: Invitae Variant Classification Sherloc (09022015). Collection method: clinical testing. Allele origin: germline.

Ambry Genetics
Classification: Likely benign for Inborn genetic diseases. Last evaluated: 2021-09-16. Review status: criteria provided, single submitter. Criteria: Ambry Variant Classification Scheme 2023. Collection method: clinical testing. Allele origin: germline.

PreventionGenetics, part of Exact Sciences
Classification: Likely benign for AFF4-related condition. Last evaluated: 2023-10-06. Review status: no assertion criteria provided. Collection method: clinical testing. Allele origin: germline. Not counted in ClinVar's aggregate classification.
Comment: This variant is classified as likely benign based on ACMG/AMP sequence variant interpretation guidelines (Richards et al. 2015 PMID: 25741868, with internal and published modifications).